The following is an entry in ClinVar:

ClinVar aggregate classification (germline): Pathogenic (1 of 4 stars; one submission).

Conditions:
Neurofibromatosis, type 1 (NF1). Also called: Neurofibromatosis, type I; Peripheral type neurofibromatosis; VON RECKLINGHAUSEN DISEASE; NEUROFIBROMATOSIS, TYPE I, SOMATIC. Identifiers: Orphanet 636, MedGen C0027831, MONDO:0018975, OMIM 162200. Disease mechanism: loss of function.

Submission:

Labcorp Genetics (formerly Invitae), Labcorp
Classification: Pathogenic for Neurofibromatosis, type 1. Last evaluated: 2025-06-04. Review status: criteria provided, single submitter. Criteria: Invitae Variant Classification Sherloc (09022015). Collection method: clinical testing. Allele origin: germline.
Comment: This variant, c.820_822del, results in the deletion of 1 amino acid(s) of the NF1 protein (p.Leu274del), but otherwise preserves the integrity of the reading frame. This variant is not present in population databases (gnomAD no frequency). This variant has been observed in individual(s) with clinical features of neurofibromatosis (PMID: 18546366). ClinVar contains an entry for this variant (Variation ID: 2736503). This variant disrupts a region of the NF1 protein in which other variant(s) (p.Leu274Arg) have been determined to be pathogenic (internal data). This suggests that this is a clinically significant region of the protein, and that variants that disrupt it are likely to be disease-causing. For these reasons, this variant has been classified as Pathogenic.

Literature cited by the submitters: PubMed 18546366.

NM_001042492.3(NF1):c.820_822del (p.Leu274del)

Gene: NF1 (neurofibromin 1; plus strand). Cytogenetic location: 17q11.2.
Variant type: Deletion.
Coding change: c.820_822del on transcript NM_001042492.3 (MANE Select); coding-DNA positions 820 to 822, 3 bases deleted (CTT; older notation c.820_822delCTT).
Protein change: p.Leu274del; deletes leucine 274.
Molecular consequence: inframe deletion. On other transcripts: inframe indel (1).
Genome position (GRCh38, 1-based): chr17:31,182,597-31,182,599, CTT deleted. VCF-style (leftmost placement, unchanged base first): chr17-31182596-CCTT-C. GRCh37 (hg19) VCF-style: chr17-29509614-CCTT-C.
Other names: c.820_822delCTT, p.Leu274del (NM_000267.4); c.820_822del, p.Leu274del (NM_001128147.3); short protein forms L274del.
Identifiers: ClinVar variation 2736503 (VCV002736503.3), dbSNP rs2544753794, ClinGen allele CA2695224631.